The following is an entry in ClinVar:

ClinVar aggregate classification (germline): Uncertain significance (1 of 4 stars; one submission).

Conditions:
Tuberous sclerosis syndrome (TSC). Also called: Tuberous sclerosis; Tuberous Sclerosis Complex. Identifiers: Orphanet 805, MedGen C0041341, MONDO:0001734.

Submission:

All of Us Research Program, National Institutes of Health
Classification: Uncertain significance for Tuberous sclerosis syndrome. Last evaluated: 2024-08-06. Review status: criteria provided, single submitter. Criteria: ACMG Guidelines, 2015. Collection method: clinical testing. Allele origin: germline. Inheritance: Autosomal dominant inheritance. Observed: 2 variant alleles, 2 heterozygotes.
Comment: This variant causes a deletion of 12 nucleotides from the exon 1-intron 1 border within the 5' untranslated regon of the TSC2 gene. This variant is predicted to abolish the intron 1 splice donor site and result in aberrant splicing, however the consequence of this on TSC2 expression is unclear. To our knowledge, RNA studies have not been reported for this variant. This variant has not been reported in individuals affected with tuberous sclerosis in the literature. This variant has been identified in 5/282500 chromosomes in the general population by the Genome Aggregation Database (gnomAD). The available evidence is insufficient to determine the role of this variant in disease conclusively. Therefore, this variant is classified as a Variant of Uncertain Significance.

This study involves interpretation of variants in research participants for the purpose of population health screening. Participant phenotype was not available at the time of variant classification. Additional details can be found in publication PMID: 35346344, PMCID: PMC8962531

NM_000548.5(TSC2):c.-30_-30+11del

Genes: TSC2 (TSC complex subunit 2; plus strand), LOC130058210 (ATAC-STARR-seq lymphoblastoid silent region 7024; plus strand). Cytogenetic location: 16p13.3.
Variant type: Deletion.
Coding change: c.-30_-30+11del on transcript NM_000548.5 (MANE Select); 30 bases upstream of the start codon through 11 bases into the intron after 30 bases upstream of the start codon, 12 bases deleted (GGTAAGTGGCGG).
Molecular consequence: splice donor variant.
Genome position (GRCh38, 1-based): chr16:2,048,065-2,048,076, GGTAAGTGGCGG deleted; deleting any 12 consecutive bases within chr16:2,048,061-2,048,076 gives the same sequence; the c. name uses the placement nearest the transcript's 3' end. VCF-style (leftmost placement, unchanged base first): chr16-2048060-CGCGGGGTAAGTG-C. GRCh37 (hg19) VCF-style: chr16-2098061-CGCGGGGTAAGTG-C.
Other names: c.-1767_-1767+11del (NM_001406693.1); c.-30_-30+11del (NM_001406667.1, NM_001406668.1, NM_001114382.3 and 13 more transcripts); c.-846_-846+11del (NM_001406680.1, NM_001406683.1, NM_001406687.1); c.-1461_-1461+11del (NM_001406689.1, NM_001406690.1, NM_001406692.1 and 2 more transcripts); c.-1637_-1637+11del (NM_001406698.1); c.-1342_-1342+11del (NM_001406694.1, NM_001406695.1); c.-1449_-1449+11del (NM_001406696.1); c.-475_-475+11del (NM_001406681.1); and 3 more.
Identifiers: ClinVar variation 3070132 (VCV003070132.2), dbSNP rs2548336970, ClinGen allele CA2825002336.